The following is an entry in ClinVar:

ClinVar aggregate classification (germline): Uncertain significance. Review status: criteria provided, multiple submitters, no conflicts (2 of 4 stars). 2 submissions from 2 submitters: Uncertain significance (2). Last evaluated 2026-03-25.

gnomAD v4.1: 2 of 1,613,832 alleles (0.00012%); highest among the groups gnomAD compares: Non-Finnish European, 0.00017%; no homozygotes.

Submissions (2):

Dasa
Classification: Uncertain significance. Last evaluated: 2026-03-25. Review status: criteria provided, single submitter. Criteria: DASA Assertion Criteria. Collection method: clinical testing. Allele origin: germline.
Comment: NM_006245.4(PPP2R5D):c.1481+3G>C is a splice-region variant. This variant is rare in population databases. Computational prediction algorithms are consistent with a deleterious effect. The currently available literature and clinical evidence are not sufficient to establish a definitive association between this variant and the reported condition. Therefore, this variant is classified as a variant of uncertain significance.

Labcorp Genetics (formerly Invitae), Labcorp
Classification: Uncertain significance. Last evaluated: 2024-10-14. Review status: criteria provided, single submitter. Criteria: Invitae Variant Classification Sherloc (09022015). Collection method: clinical testing. Allele origin: germline.
Comment: This sequence change falls in intron 13 of the PPP2R5D gene. It does not directly change the encoded amino acid sequence of the PPP2R5D protein. It affects a nucleotide within the consensus splice site. This variant is not present in population databases (gnomAD no frequency). This variant has not been reported in the literature in individuals affected with PPP2R5D-related conditions. Variants that disrupt the consensus splice site are a relatively common cause of aberrant splicing (PMID: 17576681, 9536098). Algorithms developed to predict the effect of sequence changes on RNA splicing suggest that this variant is not likely to affect RNA splicing. In summary, the available evidence is currently insufficient to determine the role of this variant in disease. Therefore, it has been classified as a Variant of Uncertain Significance.

Literature cited by the submitters: PubMed 17576681 (cited by Labcorp Genetics (formerly Invitae), Labcorp); PubMed 9536098 (cited by Labcorp Genetics (formerly Invitae), Labcorp).

NM_006245.4(PPP2R5D):c.1481+3G>C

Gene: PPP2R5D (protein phosphatase 2 regulatory subunit B'delta; plus strand). Cytogenetic location: 6p21.1.
Variant type: single nucleotide variant.
Coding change: c.1481+3G>C on transcript NM_006245.4 (MANE Select); 3 bases into the intron after coding-DNA position 1481, G replaced by C.
Molecular consequence: intron variant.
Genome position (GRCh38, 1-based): chr6:43,010,572, G>C. VCF-style: chr6-43010572-G-C. GRCh37 (hg19) VCF-style: chr6-42978310-G-C.
Other names: c.1028+3G>C (NM_001270476.2); c.1385+3G>C (NM_180976.3); c.1163+3G>C (NM_180977.3).
Identifiers: ClinVar variation 3655930 (VCV003655930.4).
Genomic context (GRCh38, chr6:43,010,572, plus strand): 5'-AAATGAATCAGAAGCTGTTTGATGACTGCACACAACAATACAAGGCAGAGAAGCAGAAGT[G>C]AGTATCTCTCTCCCCGGGAGACTTTCATCTTCTACCACCAGCTCACTGTGTTTCTCTCAA-3'